The following is an entry in ClinVar:

ClinVar aggregate classification (germline): Uncertain significance (1 of 4 stars; one submission).

Allele frequency attached by ClinVar (database versions not stated): gnomAD exomes below 0.00001 and 0.00001; ExAC 0.00001.

Submission:

Labcorp Genetics (formerly Invitae), Labcorp
Classification: Uncertain significance. Last evaluated: 2022-07-26. Review status: criteria provided, single submitter. Criteria: Invitae Variant Classification Sherloc (09022015). Collection method: clinical testing. Allele origin: germline.
Comment: In summary, the available evidence is currently insufficient to determine the role of this variant in disease. Therefore, it has been classified as a Variant of Uncertain Significance. Variants that disrupt the consensus splice site are a relatively common cause of aberrant splicing (PMID: 17576681, 9536098). Algorithms developed to predict the effect of sequence changes on RNA splicing suggest that this variant may create or strengthen a splice site. ClinVar contains an entry for this variant (Variation ID: 1386790). This variant has not been reported in the literature in individuals affected with KIF20A-related conditions. This variant is present in population databases (rs774852632, gnomAD 0.0009%). This sequence change falls in intron 6 of the KIF20A gene. It does not directly change the encoded amino acid sequence of the KIF20A protein. It affects a nucleotide within the consensus splice site.

Literature cited by the submitters: PubMed 17576681; PubMed 9536098.

NM_005733.3(KIF20A):c.702+2dup

Gene: KIF20A (kinesin family member 20A; plus strand). Cytogenetic location: 5q31.2.
Variant type: Duplication.
Coding change: c.702+2dup on transcript NM_005733.3 (MANE Select); the canonical splice donor site of the intron after coding-DNA position 702, one base duplicated (T; older notation c.702+2dupT).
Molecular consequence: splice donor variant.
Genome position (GRCh38, 1-based): chr5:138,182,775, T duplicated. VCF-style (leftmost placement, unchanged base first): chr5-138182774-G-GT. GRCh37 (hg19) VCF-style: chr5-137518463-G-GT.
Identifiers: ClinVar variation 1386790 (VCV001386790.6), dbSNP rs774852632, ClinGen allele CA3426363.